The following is an entry in ClinVar:

ClinVar aggregate classification (germline): Benign (1 of 4 stars; one submission).

Conditions:
Neuroblastoma (NB). Identifiers: Orphanet 635, MedGen C0027819, MeSH D009447, MONDO:0005072, HP:0003006.

Allele frequency attached by ClinVar (database versions not stated): gnomAD exomes 0.00192; 1000 Genomes Project 0.00819; 1000 Genomes Project 30x 0.00843; gnomAD 0.00995 and 0.01069; TOPMed 0.01111.
gnomAD v4.1: 1,662 of 228,478 alleles (0.73%); highest among the groups gnomAD compares: African/African-American, 3.4%; 22 homozygotes.

Submission:

Illumina Laboratory Services, Illumina
Classification: Benign for Neuroblastoma. Last evaluated: 2018-01-12. Review status: criteria provided, single submitter. Criteria: ICSL Variant Classification Criteria 13 December 2019. Collection method: clinical testing. Allele origin: germline.
Comment: This variant was observed in the ICSL laboratory as part of a predisposition screen in an ostensibly healthy population. It had not been previously curated by ICSL or reported in the Human Gene Mutation Database (HGMD: prior to June 1st, 2018), and was therefore a candidate for classification through an automated scoring system. Utilizing variant allele frequency, disease prevalence and penetrance estimates, and inheritance mode, an automated score was calculated to assess if this variant is too frequent to cause the disease. Based on the score and internal cut-off values, a variant classified as benign is not then subjected to further curation. The score for this variant resulted in a classification of benign for this disease.

NM_001365951.3(KIF1B):c.*712G>A

Gene: KIF1B (kinesin family member 1B; plus strand). Cytogenetic location: 1p36.22.
Variant type: single nucleotide variant.
Coding change: c.*712G>A on transcript NM_001365951.3 (MANE Select); 712 bases downstream of the stop codon, G replaced by A.
Molecular consequence: 3 prime UTR variant.
Genome position (GRCh38, 1-based): chr1:10,377,299, G>A. VCF-style: chr1-10377299-G-A. GRCh37 (hg19) VCF-style: chr1-10437357-G-A.
Other names: c.*712G>A (NM_001365952.1, NM_015074.3).
Identifiers: ClinVar variation 291599 (VCV000291599.5), dbSNP rs146717943, ClinGen allele CA10607237.